The following is an entry in ClinVar:

ClinVar aggregate classification (germline): Pathogenic (1 of 4 stars; one submission).

Submission:

Labcorp Genetics (formerly Invitae), Labcorp
Classification: Pathogenic. Last evaluated: 2021-06-05. Review status: criteria provided, single submitter. Criteria: Invitae Variant Classification Sherloc (09022015). Collection method: clinical testing. Allele origin: germline.
Comment: For these reasons, this variant has been classified as Pathogenic. This variant has not been reported in the literature in individuals with DEAF1-related conditions. This variant is not present in population databases (ExAC no frequency). This sequence change creates a premature translational stop signal (p.Cys265Trpfs*44) in the DEAF1 gene. It is expected to result in an absent or disrupted protein product. Loss-of-function variants in DEAF1 are known to be pathogenic (PMID: 30923367).

Literature cited by the submitters: PubMed 30923367.

NM_021008.4(DEAF1):c.794dup (p.Cys265fs)

Gene: DEAF1 (DEAF1 transcription factor; minus strand). Cytogenetic location: 11p15.5.
Variant type: Duplication.
Coding change: c.794dup on transcript NM_021008.4 (MANE Select); coding-DNA position 794, one base duplicated (G; older notation c.794dupG).
Protein change: p.Cys265fs; shifts the reading frame from cysteine 265.
Molecular consequence: frameshift variant. On other transcripts: intron variant (1).
Genome position (GRCh38, 1-based): chr11:686,868, C duplicated on the plus strand (G on the coding strand, the reverse complement: DEAF1 is on the minus strand). VCF-style (leftmost placement, unchanged base first): chr11-686867-G-GC. GRCh37 (hg19) VCF-style: chr11-686867-G-GC.
Other names: c.68dup, p.Cys23fs (NM_001367390.1, NM_001440885.1, NM_001440886.1 and 1 more transcripts); c.794dup, p.Cys265fs (NM_001440883.1, NM_001440884.1); c.664+1043dup (NM_001293634.2); short protein forms C23fs, C265fs.
Identifiers: ClinVar variation 1460463 (VCV001460463.6), dbSNP rs2133402124, ClinGen allele CA2573147084.